The following is an entry in ClinVar:

ClinVar aggregate classification (germline): Uncertain significance (1 of 4 stars; one submission).

Conditions:
Leigh syndrome (NULS). Also called: Leigh's necrotizing encephalopathy; Leigh's disease; Leigh Syndrome (mtDNA deletion); Leigh Disease; Subacute necrotizing encephalopathy; Necrotizing encephalopathy infantile subacute of Leigh. Identifiers: Orphanet 506, MedGen C2931891, MONDO:0009723, OMIM 256000.

Submission:

Wong Mito Lab, Molecular and Human Genetics, Baylor College of Medicine
Classification: Uncertain significance for Leigh syndrome. Last evaluated: 2019-10-17. Review status: criteria provided, single submitter. Criteria: Modified ACMG Guidelines (Unpublished). Collection method: clinical testing. Allele origin: germline.
Comment: The NC_012920.1:m.12865A>G (YP_003024036.1:p.Ile177Val) variant in MTND5 gene is interpretated to be a Uncertain Significance variant based on the modified ACMG guidelines (unpublished). This variant meets the following evidence codes: BP5

NC_012920.1(MT-ND5):m.12865A>G

Gene: MT-ND5 (mitochondrially encoded NADH dehydrogenase 5; plus strand).
Variant type: single nucleotide variant.
Genome position: chrM-12865-A-G.
Identifiers: ClinVar variation 693493 (VCV000693493.1), dbSNP rs1603223946, ClinGen allele CA414815227.
Genomic context (GRCh38, chrMT:12,865, plus strand): 5'-TGATGATACGCCCGAGCAGATGCCAACACAGCAGCCATTCAAGCAATCCTATACAACCGT[A>G]TCGGCGATATCGGTTTCATCCTCGCCTTAGCATGATTTATCCTACACTCCAACTCATGAG-3'